The following is an entry in ClinVar:

ClinVar aggregate classification (germline): Uncertain significance (1 of 4 stars; one submission).

Conditions:
Short-rib thoracic dysplasia 6 with or without polydactyly (SRTD6). Also called: POLYDACTYLY WITH NEONATAL CHONDRODYSTROPHY, TYPE II; Majewski Syndrome; SHORT-RIB THORACIC DYSPLASIA 6 WITH POLYDACTYLY; SHORT-RIB THORACIC DYSPLASIA 6 WITHOUT POLYDACTYLY; SHORT RIB-POLYDACTYLY SYNDROME, TYPE IIA. Identifiers: MedGen C0024507, MONDO:0009894, OMIM 263520.

Allele frequency attached by ClinVar (database versions not stated): gnomAD exomes below 0.00001; ExAC 0.00001.

Submission:

Labcorp Genetics (formerly Invitae), Labcorp
Classification: Uncertain significance for Short-rib thoracic dysplasia 6 with or without polydactyly. Last evaluated: 2023-08-08. Review status: criteria provided, single submitter. Criteria: Invitae Variant Classification Sherloc (09022015). Collection method: clinical testing. Allele origin: germline.
Comment: This sequence change replaces histidine, which is basic and polar, with tyrosine, which is neutral and polar, at codon 226 of the NEK1 protein (p.His226Tyr). This variant is not present in population databases (gnomAD no frequency). This variant has not been reported in the literature in individuals affected with NEK1-related conditions. Advanced modeling of protein sequence and biophysical properties (such as structural, functional, and spatial information, amino acid conservation, physicochemical variation, residue mobility, and thermodynamic stability) performed at Invitae indicates that this missense variant is not expected to disrupt NEK1 protein function. In summary, the available evidence is currently insufficient to determine the role of this variant in disease. Therefore, it has been classified as a Variant of Uncertain Significance.

NM_001199397.3(NEK1):c.676C>T (p.His226Tyr)

Gene: NEK1 (NIMA related kinase 1; minus strand). Cytogenetic location: 4q33.
Variant type: single nucleotide variant.
Coding change: c.676C>T on transcript NM_001199397.3 (MANE Select); coding-DNA position 676, C replaced by T.
Protein change: p.His226Tyr; replaces histidine 226 with tyrosine.
Molecular consequence: missense variant. On other transcripts: non-coding transcript variant (2).
Genome position (GRCh38, 1-based): chr4:169,585,480, G>A on the plus strand (C>T on the coding strand, the complement: NEK1 is on the minus strand). VCF-style: chr4-169585480-G-A. GRCh37 (hg19) VCF-style: chr4-170506631-G-A.
Other names: c.676C>T, p.His226Tyr (NM_001199398.3, NM_001199399.3, NM_001199400.3 and 7 more transcripts); short protein forms H226Y.
Identifiers: ClinVar variation 2747878 (VCV002747878.3), dbSNP rs767333961, ClinGen allele CA3137977.